The following is an entry in ClinVar:

ClinVar aggregate classification (germline): Uncertain significance (1 of 4 stars; one submission).

Allele frequency attached by ClinVar (database versions not stated): gnomAD exomes below 0.00001.
gnomAD v4.1: 1 of 1,613,040 alleles (0.000062%); highest among the groups gnomAD compares: East Asian, 0.0022%; no homozygotes.

Submission:

Labcorp Genetics (formerly Invitae), Labcorp
Classification: Uncertain significance. Last evaluated: 2023-02-01. Review status: criteria provided, single submitter. Criteria: Invitae Variant Classification Sherloc (09022015). Collection method: clinical testing. Allele origin: germline.
Comment: This sequence change creates a premature translational stop signal (p.Glu16*) in the HOXB13 gene. It is expected to result in an absent or disrupted protein product. However, the current clinical and genetic evidence is not sufficient to establish whether loss-of-function variants in HOXB13 cause disease. This variant is not present in population databases (gnomAD no frequency). This variant has not been reported in the literature in individuals affected with HOXB13-related conditions. In summary, the available evidence is currently insufficient to determine the role of this variant in disease. Therefore, it has been classified as a Variant of Uncertain Significance.

NM_006361.6(HOXB13):c.46G>T (p.Glu16Ter)

Gene: HOXB13 (homeobox B13; minus strand). Cytogenetic location: 17q21.32.
Variant type: single nucleotide variant.
Coding change: c.46G>T on transcript NM_006361.6 (MANE Select); coding-DNA position 46, G replaced by T.
Protein change: p.Glu16Ter; replaces glutamic acid 16 with a stop codon.
Molecular consequence: nonsense.
Genome position (GRCh38, 1-based): chr17:48,728,548, C>A on the plus strand (G>T on the coding strand, the complement: HOXB13 is on the minus strand). VCF-style: chr17-48728548-C-A. GRCh37 (hg19) VCF-style: chr17-46805910-C-A.
Other names: short protein forms E16*.
Identifiers: ClinVar variation 2792705 (VCV002792705.3), dbSNP rs2143075611, ClinGen allele CA400109774.